The following is an entry in ClinVar:

NM_001365276.2(TNXB):c.11386+15A>G

Genes: TNXB (tenascin XB; minus strand), LOC106780803 (tenascin XB recombination region; plus strand). Cytogenetic location: 6p21.33.
Variant type: single nucleotide variant.
Coding change: c.11386+15A>G on transcript NM_001365276.2 (MANE Select); 15 bases into the intron after coding-DNA position 11386, A replaced by G.
Molecular consequence: intron variant.
Genome position (GRCh38, 1-based): chr6:32,043,992, T>C on the plus strand (A>G on the coding strand, the complement: TNXB is on the minus strand). VCF-style: chr6-32043992-T-C. GRCh37 (hg19) VCF-style: chr6-32011769-T-C.
Other names: c.11380+15A>G (NM_019105.8); c.673+15A>G (NM_032470.4).
Identifiers: ClinVar variation 1186270 (VCV001186270.4), dbSNP rs578036611, ClinGen allele CA3733059.
Genomic context (GRCh38, chr6:32,043,992, plus strand): 5'-AGGGCAGCTGGAGGGTGGGCAGAGTGCAGGGGGGAGAGGAAATGCGAGGCGATGAGCACA[T>C]GGCAAAGGCACCACCTCCGTCCGCCAGCTGGTAGGAGACTTTGAAGCTGTCCGCCCGGGA-3'

ClinVar aggregate classification (germline): Benign/Likely benign. Review status: criteria provided, multiple submitters, no conflicts (2 of 4 stars). 3 submissions from 3 submitters: Benign (1); Likely benign (2). Last evaluated 2025-07-16.

Allele frequency attached by ClinVar (database versions not stated): gnomAD 0.00020 and 0.00029; gnomAD exomes 0.00085; ExAC 0.00100; 1000 Genomes Project 30x 0.00172; 1000 Genomes Project 0.00180.

Submissions (3):

Women's Health and Genetics/Laboratory Corporation of America, LabCorp
Classification: Benign. Last evaluated: 2025-07-16. Review status: criteria provided, single submitter. Criteria: LabCorp Variant Classification Summary - May 2015. Collection method: clinical testing. Allele origin: germline.
Comment: Variant summary: TNXB c.11380+15A>G alters a nucleotide located at a position not widely known to affect splicing. Consensus agreement among computation tools predict no significant impact on normal splicing. However, these predictions have yet to be confirmed by functional studies. The variant allele was found at a frequency of 0.00085 in 240972 control chromosomes, predominantly at a frequency of 0.0082 within the East Asian subpopulation in the gnomAD database, including 2 homozygotes. The observed variant frequency within East Asian control individuals in the gnomAD database is approximately 7 fold of the estimated maximal expected allele frequency for a pathogenic variant in TNXB causing Ehlers-Danlos syndrome due to tenascin-X deficiency phenotype (0.0011). To our knowledge, no occurrence of c.11380+15A>G in individuals affected with Ehlers-Danlos syndrome due to tenascin-X deficiency and no experimental evidence demonstrating its impact on protein function have been reported. ClinVar contains an entry for this variant (Variation ID: 1186270). Based on the evidence outlined above, the variant was classified as benign.

Blueprint Genetics
Classification: Likely benign. Last evaluated: 2024-06-11. Review status: criteria provided, single submitter. Criteria: ACMG Guidelines, 2015. Collection method: clinical testing. Allele origin: germline.

GeneDx
Classification: Likely benign. Last evaluated: 2019-11-22. Review status: criteria provided, single submitter. Criteria: GeneDx Variant Classification Process June 2021. Collection method: clinical testing. Allele origin: germline. Affected: yes.